The following is an entry in ClinVar:

NM_000238.4(KCNH2):c.533C>A (p.Ser178Ter)

Gene: KCNH2 (potassium voltage-gated channel subfamily H member 2; minus strand). Cytogenetic location: 7q36.1.
Variant type: single nucleotide variant.
Coding change: c.533C>A on transcript NM_000238.4 (MANE Select); coding-DNA position 533, C replaced by A.
Protein change: p.Ser178Ter; replaces serine 178 with a stop codon.
Molecular consequence: nonsense. On other transcripts: non-coding transcript variant (1).
Genome position (GRCh38, 1-based): chr7:150,958,442, G>T on the plus strand (C>A on the coding strand, the complement: KCNH2 is on the minus strand). VCF-style: chr7-150958442-G-T. GRCh37 (hg19) VCF-style: chr7-150655530-G-T.
Other names: c.245C>A, p.Ser82Ter (NM_001406753.1, NM_001406756.1); c.356C>A, p.Ser119Ter (NM_001406755.1); c.233C>A, p.Ser78Ter (NM_001406757.1); c.533C>A, p.Ser178Ter (NM_172056.3); short protein forms S78*, S82*, S119*, S178*.
Identifiers: ClinVar variation 3730888 (VCV003730888.1).
Genomic context (GRCh38, chr7:150,958,442, plus strand): 5'-ACGTCCACCACCACGGCCCCCGGGGCGCCCGCGCCGCCCGCGCCGCCCGACCGCACCGAC[G>T]ACTCCCGGGCCGTCAGCGCCAGCAGCGCGGGCAGCTTCAGGCGGAAGGTCTTGGCGCGGC-3'

ClinVar aggregate classification (germline): Likely pathogenic (1 of 4 stars; one submission).

Submission:

GeneDx
Classification: Likely pathogenic. Last evaluated: 2024-08-12. Review status: criteria provided, single submitter. Criteria: GeneDx Variant Classification Process June 2021. Collection method: clinical testing. Allele origin: germline. Affected: yes.
Comment: Nonsense variant predicted to result in protein truncation or nonsense mediated decay in a gene for which loss of function is a known mechanism of disease; Not observed at significant frequency in large population cohorts (gnomAD); Has not been previously published as pathogenic or benign to our knowledge